The following is an entry in ClinVar:

ClinVar aggregate classification (germline): Benign/Likely benign. Review status: criteria provided, multiple submitters, no conflicts (2 of 4 stars). 6 submissions from 6 submitters: Benign (4); Likely benign (2). Last evaluated 2025-02-01.

Conditions:
Atypical hemolytic-uremic syndrome. Identifiers: Orphanet 2134, MedGen C2931788, MONDO:0016244.

Allele frequency attached by ClinVar (database versions not stated): 1000 Genomes Project 30x 0.00437; 1000 Genomes Project 0.00439; gnomAD exomes 0.00798 and 0.01191; ExAC 0.00838; gnomAD 0.00838 and 0.00846; TOPMed 0.00842; ESP Exome Variant Server 0.01133.

Submissions (6):

CeGaT Center for Human Genetics Tuebingen
Classification: Benign. Last evaluated: 2025-02-01. Review status: criteria provided, single submitter. Criteria: CeGaT Center For Human Genetics Tuebingen Variant Classification Criteria Version 2. Collection method: clinical testing. Allele origin: germline. Affected: yes. Observed: 2 variant alleles.
Comment: CFHR4: BP4, BP7, BS1, BS2

Mayo Clinic Laboratories, Mayo Clinic
Classification: Likely benign. Last evaluated: 2024-12-23. Review status: criteria provided, single submitter. Criteria: ACMG Guidelines, 2015. Collection method: clinical testing. Allele origin: germline. Observed: 37 variant alleles.
Comment: BP4, BP7

Women's Health and Genetics/Laboratory Corporation of America, LabCorp
Classification: Benign. Last evaluated: 2021-07-08. Review status: criteria provided, single submitter. Criteria: LabCorp Variant Classification Summary - May 2015. Collection method: clinical testing. Allele origin: germline.

Genome Diagnostics Laboratory, The Hospital for Sick Children
Classification: Likely benign for Atypical hemolytic-uremic syndrome. Last evaluated: 2020-08-26. Review status: criteria provided, single submitter. Criteria: ACMG Guidelines, 2015. Collection method: clinical testing. Allele origin: germline.

Labcorp Genetics (formerly Invitae), Labcorp
Classification: Benign. Last evaluated: 2019-12-31. Review status: criteria provided, single submitter. Criteria: Invitae Variant Classification Sherloc (09022015). Collection method: clinical testing. Allele origin: germline.

Breakthrough Genomics
Classification: Benign. Review status: criteria provided, single submitter. Criteria: ACMG Guidelines, 2015. Collection method: not provided. Allele origin: germline. Inheritance: Unknown mechanism. Affected: yes.

NM_001201550.3(CFHR4):c.228T>C (p.Asp76=)

Gene: CFHR4 (complement factor H related 4; plus strand). Cytogenetic location: 1q31.3.
Variant type: single nucleotide variant.
Coding change: c.228T>C on transcript NM_001201550.3 (MANE Select); coding-DNA position 228, T replaced by C.
Protein change: p.Asp76=; no amino-acid change (aspartic acid 76 retained).
Molecular consequence: synonymous variant.
Genome position (GRCh38, 1-based): chr1:196,902,587, T>C. VCF-style: chr1-196902587-T-C. GRCh37 (hg19) VCF-style: chr1-196871717-T-C.
Other names: p.Asp75=; c.225T>C, p.Asp75= (NM_001201551.2); c.228T>C, p.Asp76= (NM_006684.5).
Identifiers: ClinVar variation 788946 (VCV000788946.33), dbSNP rs145744152, ClinGen allele CA1306753.